The following is an entry in ClinVar:

NM_002335.4(LRP5):c.1110C>T (p.Asp370=)

Gene: LRP5 (LDL receptor related protein 5; plus strand). Cytogenetic location: 11q13.2.
Variant type: single nucleotide variant.
Coding change: c.1110C>T on transcript NM_002335.4 (MANE Select); coding-DNA position 1110, C replaced by T.
Protein change: p.Asp370=; no amino-acid change (aspartic acid 370 retained).
Molecular consequence: synonymous variant. On other transcripts: 5 prime UTR variant (1).
Genome position (GRCh38, 1-based): chr11:68,386,410, C>T. VCF-style: chr11-68386410-C-T. GRCh37 (hg19) VCF-style: chr11-68153878-C-T.
Other names: c.-656C>T (NM_001291902.2); c.1110C>T (NM_002335.3).
Identifiers: ClinVar variation 2065598 (VCV002065598.5), dbSNP rs376709985, ClinGen allele CA6149249.

ClinVar aggregate classification (germline): Likely benign. Review status: criteria provided, multiple submitters, no conflicts (2 of 4 stars). 2 submissions from 2 submitters: Likely benign (2). Last evaluated 2026-01-06.

Conditions:
LRP5-related disorder. Also called: LRP5-related condition.

Allele frequency attached by ClinVar (database versions not stated): gnomAD 0.00001; gnomAD exomes 0.00002; ExAC 0.00003; ESP Exome Variant Server 0.00008.
gnomAD v4.1: 36 of 1,613,858 alleles (0.0022%); highest among the groups gnomAD compares: East Asian, 0.02%; no homozygotes.

Submissions (2):

PreventionGenetics, part of Exact Sciences
Classification: Likely benign for LRP5-related condition. Last evaluated: 2026-01-06. Review status: criteria provided, single submitter. Criteria: ACMG Guidelines, 2015. Collection method: clinical testing. Allele origin: germline.
Comment: This variant is classified as likely benign based on ACMG/AMP sequence variant interpretation guidelines (Richards et al. 2015 PMID: 25741868, with internal and published modifications).

Labcorp Genetics (formerly Invitae), Labcorp
Classification: Likely benign. Last evaluated: 2025-05-14. Review status: criteria provided, single submitter. Criteria: Invitae Variant Classification Sherloc (09022015). Collection method: clinical testing. Allele origin: germline.